The following is an entry in ClinVar:

ClinVar aggregate classification (germline): Uncertain significance. Review status: criteria provided, multiple submitters, no conflicts (2 of 4 stars). 3 submissions from 3 submitters: Uncertain significance (3). Last evaluated 2024-05-13.

Conditions:
Inborn genetic diseases. Identifiers: MedGen C0950123, MeSH D030342.

Allele frequency attached by ClinVar (database versions not stated): gnomAD exomes 0.00003 and 0.00007; ExAC 0.00005.
gnomAD v4.1: 20 of 1,607,282 alleles (0.0012%); highest among the groups gnomAD compares: Admixed American, 0.03%; no homozygotes.

Submissions (3):

Ambry Genetics
Classification: Uncertain significance for Inborn genetic diseases. Last evaluated: 2024-05-13. Review status: criteria provided, single submitter. Criteria: Ambry Variant Classification Scheme 2023. Collection method: clinical testing. Allele origin: germline.

Labcorp Genetics (formerly Invitae), Labcorp
Classification: Uncertain significance. Last evaluated: 2024-04-25. Review status: criteria provided, single submitter. Criteria: Invitae Variant Classification Sherloc (09022015). Collection method: clinical testing. Allele origin: germline.
Comment: This sequence change replaces glycine, which is neutral and non-polar, with glutamic acid, which is acidic and polar, at codon 10 of the ADAM9 protein (p.Gly10Glu). This variant is present in population databases (rs764821640, gnomAD 0.05%). This variant has not been reported in the literature in individuals affected with ADAM9-related conditions. ClinVar contains an entry for this variant (Variation ID: 1007380). Algorithms developed to predict the effect of missense changes on protein structure and function output the following: SIFT: "Not Available"; PolyPhen-2: "Benign"; Align-GVGD: "Not Available". The glutamic acid amino acid residue is found in multiple mammalian species, which suggests that this missense change does not adversely affect protein function. In summary, the available evidence is currently insufficient to determine the role of this variant in disease. Therefore, it has been classified as a Variant of Uncertain Significance.

Blueprint Genetics
Classification: Uncertain significance. Last evaluated: 2018-11-13. Review status: criteria provided, single submitter. Criteria: ACMG Guidelines, 2015. Collection method: clinical testing. Allele origin: germline.

NM_003816.3(ADAM9):c.29G>A (p.Gly10Glu)

Genes: ADAM9 (ADAM metallopeptidase domain 9; plus strand), LOC130000261 (ATAC-STARR-seq lymphoblastoid active region 27275; plus strand). Cytogenetic location: 8p11.22.
Variant type: single nucleotide variant.
Coding change: c.29G>A on transcript NM_003816.3 (MANE Select); coding-DNA position 29, G replaced by A.
Protein change: p.Gly10Glu; replaces glycine 10 with glutamic acid.
Molecular consequence: missense variant. On other transcripts: non-coding transcript variant (3).
Genome position (GRCh38, 1-based): chr8:38,997,092, G>A. VCF-style: chr8-38997092-G-A. GRCh37 (hg19) VCF-style: chr8-38854611-G-A.
Other names: c.29G>A (NM_003816.2); short protein forms G10E.
Identifiers: ClinVar variation 1007380 (VCV001007380.5), dbSNP rs764821640, ClinGen allele CA4721182.